The following is an entry in ClinVar:

ClinVar aggregate classification (germline): Likely pathogenic (1 of 4 stars; one submission).

Conditions:
Dilated cardiomyopathy 1G (CMD1G). Identifiers: Orphanet 154, MedGen C1858763, MONDO:0011400, OMIM 604145.
Autosomal recessive limb-girdle muscular dystrophy type 2J (LGMDR10). Also called: Limb-girdle muscular dystrophy, type 2J; MUSCULAR DYSTROPHY, LIMB-GIRDLE, AUTOSOMAL RECESSIVE 10. Identifiers: Orphanet 140922, MedGen C1837342, MONDO:0012127, OMIM 608807.

Submission:

Labcorp Genetics (formerly Invitae), Labcorp
Classification: Likely pathogenic for Dilated cardiomyopathy 1G; Autosomal recessive limb-girdle muscular dystrophy type 2J. Last evaluated: 2022-03-08. Review status: criteria provided, single submitter. Criteria: Invitae Variant Classification Sherloc (09022015). Collection method: clinical testing. Allele origin: germline.
Comment: In summary, the currently available evidence indicates that the variant is pathogenic, but additional data are needed to prove that conclusively. Therefore, this variant has been classified as Likely Pathogenic. This variant is located in the A band of TTN (PMID: 25589632). Truncating variants in this region are significantly overrepresented in patients affected with dilated cardiomyopathy (PMID: 25589632). Truncating variants in this region have also been reported in individuals affected with autosomal recessive centronuclear myopathy (PMID: 23975875). This variant has not been reported in the literature in individuals affected with TTN-related conditions. This variant is not present in population databases (gnomAD no frequency). This sequence change creates a premature translational stop signal (p.Thr18763Tyrfs*7) in the TTN gene. While this is not anticipated to result in nonsense mediated decay, it is expected to create a truncated TTN protein.

Literature cited by the submitters: PubMed 25589632; PubMed 23975875.

NM_001267550.2(TTN):c.56286dup (p.Thr18763fs)

Genes: TTN (titin; minus strand), TTN-AS1 (TTN antisense RNA 1; plus strand). Cytogenetic location: 2q31.2.
Variant type: Duplication.
Coding change: c.56286dup on transcript NM_001267550.2 (MANE Select); coding-DNA position 56286, one base duplicated (T; older notation c.56286dupT).
Protein change: p.Thr18763fs; shifts the reading frame from threonine 18763.
Molecular consequence: frameshift variant. On other transcripts: non-coding transcript variant (1).
Genome position (GRCh38, 1-based): chr2:178,599,615, A duplicated on the plus strand (T on the coding strand, the reverse complement: TTN is on the minus strand). VCF-style (leftmost placement, unchanged base first): chr2-178599614-T-TA. GRCh37 (hg19) VCF-style: chr2-179464341-T-TA.
Other names: c.51363dup, p.Thr17122fs (NM_001256850.1); c.29091dup, p.Thr9698fs (NM_003319.4); c.48582dup, p.Thr16195fs (NM_133378.4); c.29466dup, p.Thr9823fs (NM_133432.3); c.29667dup, p.Thr9890fs (NM_133437.4); short protein forms T18763fs, T16195fs, T17122fs, T9890fs, T9698fs, T9823fs.
Identifiers: ClinVar variation 1515476 (VCV001515476.8), dbSNP rs2154191397, ClinGen allele CA2573133769.